The following is an entry in ClinVar:

ClinVar aggregate classification (germline): Uncertain significance (1 of 4 stars; one submission).

Submission:

Women's Health and Genetics/Laboratory Corporation of America, LabCorp
Classification: Uncertain significance. Last evaluated: 2026-03-24. Review status: criteria provided, single submitter. Criteria: LabCorp Variant Classification Summary - May 2015. Collection method: clinical testing. Allele origin: germline.
Comment: Variant summary: RORA c.1025A>G (p.Asp342Gly) results in a non-conservative amino acid change in the encoded protein sequence. Algorithms developed to predict the effect of missense changes on protein structure and function all suggest that this variant is likely to be disruptive. The variant was absent in 251382 control chromosomes. The available data on variant occurrences in the general population are insufficient to allow any conclusion about variant significance. To our knowledge, no occurrence of c.1025A>G in individuals affected with RORA-related conditions and no experimental evidence demonstrating its impact on protein function have been reported. No submitters have cited clinical-significance assessments for this variant to ClinVar. Based on the evidence outlined above, the variant was classified as uncertain significance.

NM_134261.3(RORA):c.1025A>G (p.Asp342Gly)

Genes: RORA (RAR related orphan receptor A; minus strand), RORA-AS1 (RORA antisense RNA 1; plus strand). Cytogenetic location: 15q22.2.
Variant type: single nucleotide variant.
Coding change: c.1025A>G on transcript NM_134261.3 (MANE Select); coding-DNA position 1025, A replaced by G.
Protein change: p.Asp342Gly; replaces aspartic acid 342 with glycine.
Molecular consequence: missense variant.
Genome position (GRCh38, 1-based): chr15:60,503,585, T>C on the plus strand (A>G on the coding strand, the complement: RORA is on the minus strand). VCF-style: chr15-60503585-T-C. GRCh37 (hg19) VCF-style: chr15-60795784-T-C.
Other names: c.1100A>G, p.Asp367Gly (NM_002943.4); c.1124A>G, p.Asp375Gly (NM_134260.3); c.860A>G, p.Asp287Gly (NM_134262.3); short protein forms D287G, D342G, D367G, D375G.
Identifiers: ClinVar variation 4847704 (VCV004847704.1).